The following is an entry in ClinVar:

NM_001082486.2(ACD):c.1342G>A (p.Asp448Asn)

Gene: ACD (ACD shelterin complex subunit and telomerase recruitment factor; minus strand). Cytogenetic location: 16q22.1.
Variant type: single nucleotide variant.
Coding change: c.1342G>A on transcript NM_001082486.2 (MANE Select); coding-DNA position 1342, G replaced by A.
Protein change: p.Asp448Asn; replaces aspartic acid 448 with asparagine.
Molecular consequence: missense variant.
Genome position (GRCh38, 1-based): chr16:67,657,641, C>T on the plus strand (G>A on the coding strand, the complement: ACD is on the minus strand). VCF-style: chr16-67657641-C-T. GRCh37 (hg19) VCF-style: chr16-67691544-C-T.
Other names: c.1255G>A, p.Asp419Asn (NM_001410884.1); c.1333G>A, p.Asp445Asn (NM_022914.3); c.1600G>A (NM_001082486.1); short protein forms D419N, D445N, D448N.
Identifiers: ClinVar variation 2134272 (VCV002134272.6), dbSNP rs2543595736, ClinGen allele CA396349603.
Genomic context (GRCh38, chr16:67,657,641, plus strand): 5'-AGCGGTATCTGTCCTGCGTGACGTCTCACATCGGAGTTGGCTCAGACCCTGGCTGTGCAT[C>T]CATCAGAAAGTGCAAGGCCCAGGCCATGAGCTGGGGAGGAAGCCTGGAAAGAAACCACCG-3'
Protein context (NP_001075955.2, residues 438-458): LMAWALHFLM[Asp448Asn]AQPGSEPTPM

ClinVar aggregate classification (germline): Uncertain significance. Review status: criteria provided, multiple submitters, no conflicts (2 of 4 stars). 2 submissions from 2 submitters: Uncertain significance (2). Last evaluated 2022-11-06.

Conditions:
Inborn genetic diseases. Identifiers: MedGen C0950123, MeSH D030342.
Dyskeratosis congenita, autosomal dominant 6 (DKCA6). Identifiers: Orphanet 3322, MedGen C4225284, MONDO:0014690, OMIM 616553.

Allele frequency attached by ClinVar (database versions not stated): gnomAD exomes 0.00001.

Submissions (2):

Ambry Genetics
Classification: Uncertain significance for Inborn genetic diseases. Last evaluated: 2022-11-06. Review status: criteria provided, single submitter. Criteria: Ambry Variant Classification Scheme 2023. Collection method: clinical testing. Allele origin: germline.
Comment: The p.D534N variant (also known as c.1600G>A), located in coding exon 12 of the ACD gene, results from a G to A substitution at nucleotide position 1600. The aspartic acid at codon 534 is replaced by asparagine, an amino acid with highly similar properties. This amino acid position is conserved. In addition, this alteration is predicted to be tolerated by in silico analysis. Since supporting evidence is limited at this time, the clinical significance of this alteration remains unclear.

Labcorp Genetics (formerly Invitae), Labcorp
Classification: Uncertain significance for Dyskeratosis congenita, autosomal dominant 6. Last evaluated: 2022-05-05. Review status: criteria provided, single submitter. Criteria: Invitae Variant Classification Sherloc (09022015). Collection method: clinical testing. Allele origin: germline.
Comment: This variant has not been reported in the literature in individuals affected with ACD-related conditions. In summary, the available evidence is currently insufficient to determine the role of this variant in disease. Therefore, it has been classified as a Variant of Uncertain Significance. Algorithms developed to predict the effect of missense changes on protein structure and function (SIFT, PolyPhen-2, Align-GVGD) all suggest that this variant is likely to be tolerated. This variant is not present in population databases (gnomAD no frequency). This sequence change replaces aspartic acid, which is acidic and polar, with asparagine, which is neutral and polar, at codon 534 of the ACD protein (p.Asp534Asn).